The following is an entry in ClinVar:

NM_006922.4(SCN3A):c.5831T>C (p.Met1944Thr)

Gene: SCN3A (sodium voltage-gated channel alpha subunit 3; minus strand). Cytogenetic location: 2q24.3.
Variant type: single nucleotide variant.
Coding change: c.5831T>C on transcript NM_006922.4 (MANE Select); coding-DNA position 5831, T replaced by C.
Protein change: p.Met1944Thr; replaces methionine 1944 with threonine.
Molecular consequence: missense variant.
Genome position (GRCh38, 1-based): chr2:165,090,322, A>G on the plus strand (T>C on the coding strand, the complement: SCN3A is on the minus strand). VCF-style: chr2-165090322-A-G. GRCh37 (hg19) VCF-style: chr2-165946832-A-G.
Other names: c.5684T>C, p.Met1895Thr (NM_001081676.2, NM_001081677.2); c.5831T>C (NM_006922.3); short protein forms M1944T, M1895T.
Identifiers: ClinVar variation 1363543 (VCV001363543.6), dbSNP rs772325512, ClinGen allele CA1938349.

ClinVar aggregate classification (germline): Uncertain significance. Review status: criteria provided, multiple submitters, no conflicts (2 of 4 stars). 2 submissions from 2 submitters: Uncertain significance (2). Last evaluated 2025-06-22.

Conditions:
Inborn genetic diseases. Identifiers: MedGen C0950123, MeSH D030342.

Allele frequency attached by ClinVar (database versions not stated): TOPMed 0.00001; ExAC 0.00002; gnomAD 0.00002 and 0.00003; gnomAD exomes 0.00003.

Submissions (2):

Ambry Genetics
Classification: Uncertain significance for Inborn genetic diseases. Last evaluated: 2025-06-22. Review status: criteria provided, single submitter. Criteria: Ambry Variant Classification Scheme 2023. Collection method: clinical testing. Allele origin: germline.

Labcorp Genetics (formerly Invitae), Labcorp
Classification: Uncertain significance. Last evaluated: 2024-09-15. Review status: criteria provided, single submitter. Criteria: Invitae Variant Classification Sherloc (09022015). Collection method: clinical testing. Allele origin: germline.
Comment: This sequence change replaces methionine, which is neutral and non-polar, with threonine, which is neutral and polar, at codon 1944 of the SCN3A protein (p.Met1944Thr). This variant is present in population databases (rs772325512, gnomAD 0.02%). This variant has not been reported in the literature in individuals affected with SCN3A-related conditions. ClinVar contains an entry for this variant (Variation ID: 1363543). Invitae Evidence Modeling of protein sequence and biophysical properties (such as structural, functional, and spatial information, amino acid conservation, physicochemical variation, residue mobility, and thermodynamic stability) indicates that this missense variant is not expected to disrupt SCN3A protein function with a negative predictive value of 95%. In summary, the available evidence is currently insufficient to determine the role of this variant in disease. Therefore, it has been classified as a Variant of Uncertain Significance.